The following is an entry in ClinVar:

NM_001374828.1(ARID1B):c.1275_1292del (p.Ala428_Ala433del)

Gene: ARID1B (AT-rich interaction domain 1B; plus strand). Cytogenetic location: 6q25.3.
Variant type: Deletion.
Coding change: c.1275_1292del on transcript NM_001374828.1 (MANE Select); coding-DNA positions 1275 to 1292, 18 bases deleted (GGCCGCGGCGGCGGCGGC).
Protein change: p.Ala428_Ala433del.
Molecular consequence: inframe deletion.
Genome position (GRCh38, 1-based): chr6:156,778,955-156,778,972, GGCCGCGGCGGCGGCGGC deleted; deleting any 18 consecutive bases within chr6:156,778,946-156,778,972 gives the same sequence; the c. name uses the placement nearest the transcript's 3' end. VCF-style (leftmost placement, unchanged base first): chr6-156778945-TGGCGGCGGCGGCCGCGGC-T. GRCh37 (hg19) VCF-style: chr6-157100079-TGGCGGCGGCGGCCGCGGC-T.
Other names: c.1275_1292del, p.Ala428_Ala433del (NM_001371656.1, NM_001374820.1, NM_017519.3).
Identifiers: ClinVar variation 3619803 (VCV003619803.2).

ClinVar aggregate classification (germline): Uncertain significance (1 of 4 stars; one submission).

Submission:

Labcorp Genetics (formerly Invitae), Labcorp
Classification: Uncertain significance. Last evaluated: 2024-09-29. Review status: criteria provided, single submitter. Criteria: Invitae Variant Classification Sherloc (09022015). Collection method: clinical testing. Allele origin: germline.
Comment: This variant, c.1026_1043del, results in the deletion of 6 amino acid(s) of the ARID1B protein (p.Ala345_Ala350del), but otherwise preserves the integrity of the reading frame. The frequency data for this variant in the population databases is considered unreliable, as metrics indicate insufficient coverage at this position in the gnomAD database. This variant has not been reported in the literature in individuals affected with ARID1B-related conditions. Experimental studies and prediction algorithms are not available or were not evaluated, and the functional significance of this variant is currently unknown. In summary, the available evidence is currently insufficient to determine the role of this variant in disease. Therefore, it has been classified as a Variant of Uncertain Significance.